The following is an entry in ClinVar:

ClinVar aggregate classification (germline): Pathogenic. Review status: criteria provided, multiple submitters, no conflicts (2 of 4 stars). 3 submissions from 3 submitters: Pathogenic (3). Last evaluated 2024-10-16.

Conditions:
Hereditary breast ovarian cancer syndrome. Also called: Hereditary breast and ovarian cancer syndrome; Hereditary breast and/or ovarian cancer syndrome; BRCA1- and BRCA2-Associated Hereditary Breast and Ovarian Cancer; Hereditary breast and ovarian cancer syndrome (HBOC); Breast and ovarian cancer; Hereditary breast and ovarian cancer. Identifiers: Orphanet 145, MedGen C0677776, MeSH D061325, MONDO:0003582. Disease mechanism: loss of function.
Breast-ovarian cancer, familial, susceptibility to, 2 (BROVCA2). Also called: BRCA2 Hereditary Breast and Ovarian Cancer. Identifiers: Orphanet 145, MedGen C2675520, MONDO:0012933, OMIM 612555. Disease mechanism: loss of function.
Hereditary cancer-predisposing syndrome. Also called: Hereditary Cancer Syndrome; Hereditary neoplastic syndrome; Neoplastic Syndromes, Hereditary; Tumor predisposition. Identifiers: Orphanet 140162, MedGen C0027672, MeSH D009386, MONDO:0015356.

Submissions (3):

Ambry Genetics
Classification: Pathogenic for Hereditary cancer-predisposing syndrome. Last evaluated: 2024-10-16. Review status: criteria provided, single submitter. Criteria: Ambry Variant Classification Scheme 2023. Collection method: clinical testing. Allele origin: germline.
Comment: The c.2988_2997del10 pathogenic mutation, located in coding exon 10 of the BRCA2 gene, results from a deletion of 10 nucleotides at nucleotide positions 2988 to 2997, causing a translational frameshift with a predicted alternate stop codon (p.L997Ffs*43). This variant is considered to be rare based on population cohorts in the Genome Aggregation Database (gnomAD). This alteration is expected to result in loss of function by premature protein truncation or nonsense-mediated mRNA decay. As such, this alteration is interpreted as a disease-causing mutation.

Myriad Genetics, Inc.
Classification: Pathogenic for Breast-ovarian cancer, familial, susceptibility to, 2. Last evaluated: 2024-05-29. Review status: criteria provided, single submitter. Criteria: Myriad Autosomal Dominant, Autosomal Recessive and X-Linked Classification Criteria (2023). Collection method: clinical testing. Allele origin: unknown.
Comment: This variant is considered pathogenic. This variant creates a frameshift predicted to result in premature protein truncation.

Labcorp Genetics (formerly Invitae), Labcorp
Classification: Pathogenic for Hereditary breast ovarian cancer syndrome. Last evaluated: 2023-04-14. Review status: criteria provided, single submitter. Criteria: Invitae Variant Classification Sherloc (09022015). Collection method: clinical testing. Allele origin: germline.
Comment: This variant has not been reported in the literature in individuals affected with BRCA2-related conditions. For these reasons, this variant has been classified as Pathogenic. This sequence change creates a premature translational stop signal (p.Leu997Phefs*43) in the BRCA2 gene. It is expected to result in an absent or disrupted protein product. Loss-of-function variants in BRCA2 are known to be pathogenic (PMID: 20104584). This variant is not present in population databases (gnomAD no frequency).

Literature cited by the submitters: PubMed 20104584 (cited by Labcorp Genetics (formerly Invitae), Labcorp).

NM_000059.4(BRCA2):c.2988_2997del (p.Leu997fs)

Gene: BRCA2 (BRCA2 DNA repair associated; plus strand). Cytogenetic location: 13q13.1.
Variant type: Deletion.
Coding change: c.2988_2997del on transcript NM_000059.4 (MANE Select); coding-DNA positions 2988 to 2997, 10 bases deleted (CTTAGGTCCA; older notation c.2988_2997delCTTAGGTCCA).
Protein change: p.Leu997fs; shifts the reading frame from leucine 997.
Molecular consequence: frameshift variant. On other transcripts: intron variant (2), non-coding transcript variant (1).
Genome position (GRCh38, 1-based): chr13:32,337,343-32,337,352, CTTAGGTCCA deleted. VCF-style (leftmost placement, unchanged base first): chr13-32337342-TCTTAGGTCCA-T. GRCh37 (hg19) VCF-style: chr13-32911479-TCTTAGGTCCA-T.
Other names: c.424+6313_424+6322del (NM_001406722.1); c.2988_2997del, p.Leu997fs (NM_001406719.1, NM_001406720.1); c.1909+3956_1909+3965del (NM_001406721.1); c.2988_2997del10 (NM_000059.3); short protein forms L997fs.
Identifiers: ClinVar variation 2856098 (VCV002856098.5), dbSNP rs2548525000, ClinGen allele CA2739277534.
Genomic context (GRCh38, chr13:32,337,342, plus strand): 5'-CCTTGAATATAGATAAAATACCAGAAAAAAATAATGATTACATGAACAAATGGGCAGGAC[TCTTAGGTCCA>T]ATTTCAAATCACAGTTTTGGAGGTAGCTTCAGAACAGCTTCAAATAAGGAAATCAAGCTC-3'